The following is an entry in ClinVar:

NM_004304.5(ALK):c.4844T>A (p.Met1615Lys)

Gene: ALK (ALK receptor tyrosine kinase; minus strand). Cytogenetic location: 2p23.2.
Variant type: single nucleotide variant.
Coding change: c.4844T>A on transcript NM_004304.5 (MANE Select); coding-DNA position 4844, T replaced by A.
Protein change: p.Met1615Lys; replaces methionine 1615 with lysine.
Molecular consequence: missense variant.
Genome position (GRCh38, 1-based): chr2:29,193,243, A>T on the plus strand (T>A on the coding strand, the complement: ALK is on the minus strand). VCF-style: chr2-29193243-A-T. GRCh37 (hg19) VCF-style: chr2-29416109-A-T.
Other names: c.1640T>A, p.Met547Lys (NM_001353765.2); short protein forms M547K, M1615K.
Identifiers: ClinVar variation 3683359 (VCV003683359.2).

ClinVar aggregate classification (germline): Uncertain significance (1 of 4 stars; one submission).

Conditions:
Neuroblastoma, susceptibility to, 3. Also called: ALK-Related Neuroblastic Tumor Susceptibility. Identifiers: Orphanet 635, MedGen C2751681, MONDO:0013083, OMIM 613014.

Submission:

Labcorp Genetics (formerly Invitae), Labcorp
Classification: Uncertain significance for Neuroblastoma, susceptibility to, 3. Last evaluated: 2024-12-30. Review status: criteria provided, single submitter. Criteria: Invitae Variant Classification Sherloc (09022015). Collection method: clinical testing. Allele origin: germline.
Comment: This sequence change replaces methionine, which is neutral and non-polar, with lysine, which is basic and polar, at codon 1615 of the ALK protein (p.Met1615Lys). This variant is not present in population databases (gnomAD no frequency). This variant has not been reported in the literature in individuals affected with ALK-related conditions. An algorithm developed to predict the effect of missense changes on protein structure and function (PolyPhen-2) suggests that this variant is likely to be tolerated. In summary, the available evidence is currently insufficient to determine the role of this variant in disease. Therefore, it has been classified as a Variant of Uncertain Significance.